The following is an entry in ClinVar:

ClinVar aggregate classification (germline): Uncertain significance (1 of 4 stars; one submission).

Submission:

GeneDx
Classification: Uncertain significance. Last evaluated: 2026-02-06. Review status: criteria provided, single submitter. Criteria: GeneDx Variant Classification Process June 2021. Collection method: clinical testing. Allele origin: germline.
Comment: Not observed at significant frequency in large population cohorts (gnomAD); In silico analysis supports that this missense variant has a deleterious effect on protein structure/function; Has not been previously published as pathogenic or benign to our knowledge

NM_006236.3(POU3F3):c.1283G>T (p.Cys428Phe)

Gene: POU3F3 (POU class 3 homeobox 3; plus strand). Cytogenetic location: 2q12.1.
Variant type: single nucleotide variant.
Coding change: c.1283G>T on transcript NM_006236.3 (MANE Select); coding-DNA position 1283, G replaced by T.
Protein change: p.Cys428Phe; replaces cysteine 428 with phenylalanine.
Molecular consequence: missense variant.
Genome position (GRCh38, 1-based): chr2:104,856,793, G>T. VCF-style: chr2-104856793-G-T. GRCh37 (hg19) VCF-style: chr2-105473251-G-T.
Other names: c.1283G>T, p.Cys428Phe (NM_001433704.1); short protein forms C428F.
Identifiers: ClinVar variation 4976379 (VCV004976379.1).